The following is an entry in ClinVar:

ClinVar aggregate classification (germline): Uncertain significance. Review status: criteria provided, multiple submitters, no conflicts (2 of 4 stars). 4 submissions from 4 submitters: Uncertain significance (4). Last evaluated 2026-07-01.

Conditions:
Hereditary cancer-predisposing syndrome. Also called: Hereditary Cancer Syndrome; Neoplastic Syndromes, Hereditary; Hereditary neoplastic syndrome; Tumor predisposition. Identifiers: Orphanet 140162, MedGen C0027672, MeSH D009386, MONDO:0015356.
Familial melanoma. Also called: Hereditary melanoma; Hereditary cutaneous melanoma. Identifiers: Orphanet 618, MedGen C1512419, MONDO:0018961.
Melanoma and neural system tumor syndrome. Also called: MELANOMA-ASTROCYTOMA SYNDROME. Identifiers: Orphanet 252206, MedGen C1835042, MONDO:0007967, OMIM 155755.

Submissions (4):

Ambry Genetics
Classification: Uncertain significance for Hereditary cancer-predisposing syndrome. Last evaluated: 2026-07-01. Review status: criteria provided, single submitter. Criteria: Ambry Variant Classification Scheme 2023. Collection method: clinical testing. Allele origin: germline.
Comment: The p.V25L variant (also known as c.73G>T), located in coding exon 1 of the CDKN2A gene, results from a G to T substitution at nucleotide position 73. The valine at codon 25 is replaced by leucine, an amino acid with highly similar properties. This amino acid position is poorly conserved in available vertebrate species. In addition, this alteration is predicted to be tolerated by in silico analysis. Based on the available evidence, the clinical significance of this variant remains unclear.

Color Diagnostics, LLC DBA Color Health
Classification: Uncertain significance for Hereditary cancer-predisposing syndrome. Last evaluated: 2025-10-13. Review status: criteria provided, single submitter. Criteria: ACMG Guidelines, 2015. Collection method: clinical testing. Allele origin: germline.
Comment: The CDKN2A locus encodes two different gene products, p16INK4a and p14ARF. This missense variant replaces valine with leucine at codon 25 of the CDKN2A (p16INK4A) protein. Computational prediction suggests that this variant may not impact protein structure and function. To our knowledge, functional studies have not been reported for this variant. This variant has not been reported in individuals affected with CDKN2A-related disorders in the literature. This variant has not been identified in the general population by the Genome Aggregation Database (gnomAD). The available evidence is insufficient to determine the role of this variant in disease conclusively. Therefore, this variant is classified as a Variant of Uncertain Significance.

Baylor Genetics
Classification: Uncertain significance for Melanoma and neural system tumor syndrome. Last evaluated: 2024-01-30. Review status: criteria provided, single submitter. Criteria: ACMG Guidelines, 2015. Collection method: clinical testing. Allele origin: unknown.

Labcorp Genetics (formerly Invitae), Labcorp
Classification: Uncertain significance for Familial melanoma. Last evaluated: 2023-05-03. Review status: criteria provided, single submitter. Criteria: Invitae Variant Classification Sherloc (09022015). Collection method: clinical testing. Allele origin: germline.
Comment: ClinVar contains an entry for this variant (Variation ID: 1400825). In summary, the available evidence is currently insufficient to determine the role of this variant in disease. Therefore, it has been classified as a Variant of Uncertain Significance. An algorithm developed to predict the effect of missense changes on protein structure and function (PolyPhen-2) suggests that this variant is likely to be tolerated. This variant has not been reported in the literature in individuals affected with CDKN2A (p16INK4a)-related conditions. This variant is not present in population databases (gnomAD no frequency). This sequence change replaces valine, which is neutral and non-polar, with leucine, which is neutral and non-polar, at codon 25 of the CDKN2A (p16INK4a) protein (p.Val25Leu).

NM_000077.5(CDKN2A):c.73G>T (p.Val25Leu)

Gene: CDKN2A (cyclin dependent kinase inhibitor 2A; minus strand). Cytogenetic location: 9p21.3.
Variant type: single nucleotide variant.
Coding change: c.73G>T on transcript NM_000077.5; coding-DNA position 73, G replaced by T.
Protein change: p.Val25Leu; replaces valine 25 with leucine.
Molecular consequence: missense variant (on NM_000077.6). On other transcripts: intron variant (2).
Genome position (GRCh38, 1-based): chr9:21,974,755, C>A on the plus strand (G>T on the coding strand, the complement: CDKN2A is on the minus strand). VCF-style: chr9-21974755-C-A. GRCh37 (hg19) VCF-style: chr9-21974754-C-A.
Other names: c.73G>T, p.Val25Leu (NM_000077.6, NM_001195132.2, NM_058197.5); c.-3-3547G>T (NM_001363763.2); c.194-3547G>T (NM_058195.4); short protein forms V25L.
Identifiers: ClinVar variation 1400825 (VCV001400825.10), dbSNP rs2131113089, ClinGen allele CA373086613.